The following is an entry in ClinVar:

NM_004360.5(CDH1):c.667G>A (p.Glu223Lys)

Gene: CDH1 (cadherin 1; plus strand). Cytogenetic location: 16q22.1.
Variant type: single nucleotide variant.
Coding change: c.667G>A on transcript NM_004360.5 (MANE Select); coding-DNA position 667, G replaced by A.
Protein change: p.Glu223Lys; replaces glutamic acid 223 with lysine.
Molecular consequence: missense variant. On other transcripts: 5 prime UTR variant (2).
Genome position (GRCh38, 1-based): chr16:68,808,828, G>A. VCF-style: chr16-68808828-G-A. GRCh37 (hg19) VCF-style: chr16-68842731-G-A.
Other names: c.667G>A, p.Glu223Lys (NM_001317184.2); c.-949G>A (NM_001317185.2); c.-1153G>A (NM_001317186.2); short protein forms E223K.
Identifiers: ClinVar variation 5033986 (VCV005033986.1).

ClinVar aggregate classification (germline): Uncertain significance (1 of 4 stars; one submission).

Conditions:
Hereditary cancer-predisposing syndrome. Also called: Neoplastic Syndromes, Hereditary; Tumor predisposition; Hereditary neoplastic syndrome; Hereditary Cancer Syndrome. Identifiers: Orphanet 140162, MedGen C0027672, MeSH D009386, MONDO:0015356.

Submission:

Ambry Genetics
Classification: Uncertain significance for Hereditary cancer-predisposing syndrome. Last evaluated: 2026-07-07. Review status: criteria provided, single submitter. Criteria: Ambry Variant Classification Scheme 2023. Collection method: clinical testing. Allele origin: germline.
Comment: The p.E223K variant (also known as c.667G>A), located in coding exon 5 of the CDH1 gene, results from a G to A substitution at nucleotide position 667. The glutamic acid at codon 223 is replaced by lysine, an amino acid with similar properties. This amino acid position is conserved. In addition, this alteration is predicted to be deleterious by in silico analysis. Based on the available evidence, the clinical significance of this variant remains unclear.